The following is an entry in ClinVar:

NM_022064.5(RNF123):c.3720G>A (p.Gln1240=)

Genes: GMPPB (GDP-mannose pyrophosphorylase B; minus strand), RNF123 (ring finger protein 123; plus strand). Cytogenetic location: 3p21.31.
Variant type: single nucleotide variant.
Coding change: c.3720G>A on transcript NM_022064.5 (MANE Select); coding-DNA position 3720, G replaced by A.
Protein change: p.Gln1240=; no amino-acid change (glutamine 1240 retained).
Molecular consequence: synonymous variant. On other transcripts: 3 prime UTR variant (1), non-coding transcript variant (1).
Genome position (GRCh38, 1-based): chr3:49,720,876, G>A. VCF-style: chr3-49720876-G-A. GRCh37 (hg19) VCF-style: chr3-49758309-G-A.
Other names: c.*876C>T (NM_021971.4).
Identifiers: ClinVar variation 1013476 (VCV001013476.38), dbSNP rs763207565, ClinGen allele CA2405214.

ClinVar aggregate classification (germline): Likely benign (1 of 4 stars; one submission).

Allele frequency attached by ClinVar (database versions not stated): gnomAD 0.00001; TOPMed 0.00001; gnomAD exomes 0.00002 and 0.00004; ExAC 0.00006.
gnomAD v4.1: 25 of 1,614,044 alleles (0.0015%); highest among the groups gnomAD compares: Middle Eastern, 0.033%; no homozygotes.

Submission:

CeGaT Center for Human Genetics Tuebingen
Classification: Likely benign. Last evaluated: 2024-08-01. Review status: criteria provided, single submitter. Criteria: CeGaT Center For Human Genetics Tuebingen Variant Classification Criteria Version 2. Collection method: clinical testing. Allele origin: germline. Affected: yes. Observed: 2 variant alleles.
Comment: RNF123: BP4, BP7